The following is an entry in ClinVar:

ClinVar aggregate classification (germline): Uncertain significance (1 of 4 stars; one submission).

Conditions:
Congenital muscular hypertrophy-cerebral syndrome (CDLS2). Also called: Cornelia de Lange syndrome 2; SMC1A-Related Cornelia de Lange Syndrome. Identifiers: Orphanet 199, MedGen C1802395, MONDO:0010370, OMIM 300590.

Submission:

Labcorp Genetics (formerly Invitae), Labcorp
Classification: Uncertain significance for Congenital muscular hypertrophy-cerebral syndrome. Last evaluated: 2023-07-09. Review status: criteria provided, single submitter. Criteria: Invitae Variant Classification Sherloc (09022015). Collection method: clinical testing. Allele origin: germline.
Comment: This variant has not been reported in the literature in individuals affected with SMC1A-related conditions. This sequence change replaces alanine, which is neutral and non-polar, with threonine, which is neutral and polar, at codon 1094 of the SMC1A protein (p.Ala1094Thr). This variant is not present in population databases (gnomAD no frequency). Advanced modeling of protein sequence and biophysical properties (such as structural, functional, and spatial information, amino acid conservation, physicochemical variation, residue mobility, and thermodynamic stability) performed at Invitae indicates that this missense variant is expected to disrupt SMC1A protein function. In summary, the available evidence is currently insufficient to determine the role of this variant in disease. Therefore, it has been classified as a Variant of Uncertain Significance.

NM_006306.4(SMC1A):c.3280G>A (p.Ala1094Thr)

Gene: SMC1A (structural maintenance of chromosomes 1A; minus strand). Cytogenetic location: Xp11.22.
Variant type: single nucleotide variant.
Coding change: c.3280G>A on transcript NM_006306.4 (MANE Select); coding-DNA position 3280, G replaced by A.
Protein change: p.Ala1094Thr; replaces alanine 1094 with threonine.
Molecular consequence: missense variant.
Genome position (GRCh38, 1-based): chrX:53,382,511, C>T on the plus strand (G>A on the coding strand, the complement: SMC1A is on the minus strand). VCF-style: chrX-53382511-C-T. GRCh37 (hg19) VCF-style: chrX-53409432-C-T.
Other names: c.3214G>A, p.Ala1072Thr (NM_001281463.1); short protein forms A1094T, A1072T.
Identifiers: ClinVar variation 2739624 (VCV002739624.3), dbSNP rs2520823721, ClinGen allele CA413243745.